The following is an entry in ClinVar:

ClinVar aggregate classification (germline): Uncertain significance. Review status: criteria provided, multiple submitters, no conflicts (2 of 4 stars). 2 submissions from 2 submitters: Uncertain significance (2). Last evaluated 2026-01-13.

Allele frequency attached by ClinVar (database versions not stated): ExAC 0.00001; gnomAD exomes 0.00001; TOPMed 0.00001; gnomAD 0.00001.
gnomAD v4.1: 8 of 1,613,426 alleles (0.0005%); highest among the groups gnomAD compares: Admixed American, 0.005%; no homozygotes.

Submissions (2):

Labcorp Genetics (formerly Invitae), Labcorp
Classification: Uncertain significance. Last evaluated: 2026-01-13. Review status: criteria provided, single submitter. Criteria: Invitae Variant Classification Sherloc (09022015). Collection method: clinical testing. Allele origin: germline.
Comment: This sequence change replaces proline, which is neutral and non-polar, with leucine, which is neutral and non-polar, at codon 212 of the SIN3A protein (p.Pro212Leu). This variant is present in population databases (rs779056335, gnomAD 0.003%). This variant has not been reported in the literature in individuals affected with SIN3A-related conditions. ClinVar contains an entry for this variant (Variation ID: 2957039). Invitae Evidence Modeling of protein sequence and biophysical properties (such as structural, functional, and spatial information, amino acid conservation, physicochemical variation, residue mobility, and thermodynamic stability) indicates that this missense variant is not expected to disrupt SIN3A protein function with a negative predictive value of 80%. In summary, the available evidence is currently insufficient to determine the role of this variant in disease. Therefore, it has been classified as a Variant of Uncertain Significance.

Women's Health and Genetics/Laboratory Corporation of America, LabCorp
Classification: Uncertain significance. Last evaluated: 2025-12-31. Review status: criteria provided, single submitter. Criteria: LabCorp Variant Classification Summary - May 2015. Collection method: clinical testing. Allele origin: germline.
Comment: Variant summary: SIN3A c.635C>T (p.Pro212Leu) results in a non-conservative amino acid change in the encoded protein sequence. Algorithms developed to predict the effect of missense changes on protein structure and function are either unavailable or do not agree on the potential impact of this missense change. The variant allele was found at a frequency of 8e-06 in 250714 control chromosomes. The available data on variant occurrences in the general population are insufficient to allow any conclusion about variant significance. To our knowledge, no occurrence of c.635C>T in individuals affected with SIN3A-related conditions and no experimental evidence demonstrating its impact on protein function have been reported. ClinVar contains an entry for this variant (Variation ID: 2957039). Based on the evidence outlined above, the variant was classified as uncertain significance.

NM_001145358.2(SIN3A):c.635C>T (p.Pro212Leu)

Gene: SIN3A (SIN3 transcription regulator family member A; minus strand). Cytogenetic location: 15q24.2.
Variant type: single nucleotide variant.
Coding change: c.635C>T on transcript NM_001145358.2 (MANE Select); coding-DNA position 635, C replaced by T.
Protein change: p.Pro212Leu; replaces proline 212 with leucine.
Molecular consequence: missense variant.
Genome position (GRCh38, 1-based): chr15:75,412,884, G>A on the plus strand (C>T on the coding strand, the complement: SIN3A is on the minus strand). VCF-style: chr15-75412884-G-A. GRCh37 (hg19) VCF-style: chr15-75705225-G-A.
Other names: c.635C>T, p.Pro212Leu (NM_001145357.2, NM_015477.3); short protein forms P212L.
Identifiers: ClinVar variation 2957039 (VCV002957039.4), dbSNP rs779056335, ClinGen allele CA7667853.